The following is an entry in ClinVar:

NM_024422.6(DSC2):c.775+8C>A

Gene: DSC2 (desmocollin 2; minus strand). Cytogenetic location: 18q12.1.
Variant type: single nucleotide variant.
Coding change: c.775+8C>A on transcript NM_024422.6 (MANE Select); 8 bases into the intron after coding-DNA position 775, C replaced by A.
Molecular consequence: intron variant.
Genome position (GRCh38, 1-based): chr18:31,087,661, G>T on the plus strand (C>A on the coding strand, the complement: DSC2 is on the minus strand). VCF-style: chr18-31087661-G-T. GRCh37 (hg19) VCF-style: chr18-28667624-G-T.
Other names: c.775+8C>A (NM_004949.5).
Identifiers: ClinVar variation 680969 (VCV000680969.10), dbSNP rs757814061, ClinGen allele CA039987.

ClinVar aggregate classification (germline): Conflicting classifications of pathogenicity. Review status: criteria provided, conflicting classifications (1 of 4 stars). 3 submissions from 3 submitters: Uncertain significance (1); Likely benign (2). Last evaluated 2024-05-13.

Conditions:
Arrhythmogenic right ventricular dysplasia 11. Also called: Arrhythmogenic Right Ventricular Dysplasia/Cardiomyopathy11; Arrhythmogenic right ventricular dysplasia 11 with mild palmoplantar keratoderma and woolly hair; ARRHYTHMOGENIC RIGHT VENTRICULAR DYSPLASIA, FAMILIAL, 11. Identifiers: MedGen C1864850, MONDO:0012506, OMIM 610476.

Allele frequency attached by ClinVar (database versions not stated): gnomAD 0.00001 and 0.00002; gnomAD exomes 0.00001 and 0.00002; ExAC 0.00002.
gnomAD v4.1: 16 of 1,610,294 alleles (0.00099%); highest among the groups gnomAD compares: Middle Eastern, 0.02%; no homozygotes.

Submissions (3):

Labcorp Genetics (formerly Invitae), Labcorp
Classification: Likely benign for Arrhythmogenic right ventricular dysplasia 11. Last evaluated: 2024-05-13. Review status: criteria provided, single submitter. Criteria: Invitae Variant Classification Sherloc (09022015). Collection method: clinical testing. Allele origin: germline.

GeneDx
Classification: Likely benign. Last evaluated: 2018-03-26. Review status: criteria provided, single submitter. Criteria: GeneDx Variant Classification (06012015). Collection method: clinical testing. Allele origin: germline. Affected: yes.
Comment: This variant is considered likely benign or benign based on one or more of the following criteria: it is a conservative change, it occurs at a poorly conserved position in the protein, it is predicted to be benign by multiple in silico algorithms, and/or has population frequency not consistent with disease.

Blueprint Genetics
Classification: Uncertain significance. Last evaluated: 2018-03-20. Review status: criteria provided, single submitter. Criteria: ACMG Guidelines, 2015. Collection method: clinical testing. Allele origin: germline.